The following is an entry in ClinVar:

NM_024753.5(TTC21B):c.2197A>G (p.Met733Val)

Gene: TTC21B (tetratricopeptide repeat domain 21B; minus strand). Cytogenetic location: 2q24.3.
Variant type: single nucleotide variant.
Coding change: c.2197A>G on transcript NM_024753.5 (MANE Select); coding-DNA position 2197, A replaced by G.
Protein change: p.Met733Val; replaces methionine 733 with valine.
Molecular consequence: missense variant.
Genome position (GRCh38, 1-based): chr2:165,913,588, T>C on the plus strand (A>G on the coding strand, the complement: TTC21B is on the minus strand). VCF-style: chr2-165913588-T-C. GRCh37 (hg19) VCF-style: chr2-166770098-T-C.
Other names: c.2197A>G (NM_024753.4); short protein forms M733V.
Identifiers: ClinVar variation 1989328 (VCV001989328.5), dbSNP rs772826953, ClinGen allele CA1941907.

ClinVar aggregate classification (germline): Uncertain significance. Review status: criteria provided, single submitter (1 of 4 stars). 2 submissions from 2 submitters: Uncertain significance (1). 1 of the submissions does not count toward it. Last evaluated 2022-04-13.

Conditions:
TTC21B-related disorder. Also called: TTC21B-related disorders; TTC21B-related condition.
Jeune thoracic dystrophy. Also called: Jeune syndrome; Infantile thoracic dystrophy; Thoracic pelvic phalangeal dystrophy; Jeune's syndrome; Chondroectodermal dysplasia-like syndrome; Short-rib thoracic dysplasia. Identifiers: Orphanet 474, MedGen C0265275, MONDO:0018770.
Nephronophthisis. Also called: Juvenile Nephronophthisis. Identifiers: Orphanet 655, MedGen C0687120, MONDO:0019005, HP:0000090.

Allele frequency attached by ClinVar (database versions not stated): gnomAD 0.00002; TOPMed 0.00004.
gnomAD v4.1: 13 of 1,612,264 alleles (0.00081%); highest among the groups gnomAD compares: Admixed American, 0.013%; no homozygotes.

Submissions (2):

Labcorp Genetics (formerly Invitae), Labcorp
Classification: Uncertain significance for Jeune thoracic dystrophy; Nephronophthisis. Last evaluated: 2022-04-13. Review status: criteria provided, single submitter. Criteria: Invitae Variant Classification Sherloc (09022015). Collection method: clinical testing. Allele origin: germline.
Comment: In summary, the available evidence is currently insufficient to determine the role of this variant in disease. Therefore, it has been classified as a Variant of Uncertain Significance. This sequence change replaces methionine, which is neutral and non-polar, with valine, which is neutral and non-polar, at codon 733 of the TTC21B protein (p.Met733Val). This variant is present in population databases (rs772826953, gnomAD 0.01%). Algorithms developed to predict the effect of missense changes on protein structure and function are either unavailable or do not agree on the potential impact of this missense change (SIFT: "Deleterious"; PolyPhen-2: "Benign"; Align-GVGD: "Class C0"). This variant has not been reported in the literature in individuals affected with TTC21B-related conditions.

PreventionGenetics, part of Exact Sciences
Classification: Uncertain significance for TTC21B-related condition. Last evaluated: 2024-08-24. Review status: no assertion criteria provided. Collection method: clinical testing. Allele origin: germline. Not counted in ClinVar's aggregate classification.
Comment: The TTC21B c.2197A>G variant is predicted to result in the amino acid substitution p.Met733Val. To our knowledge, this variant has not been reported in the literature or in a large population database, indicating this variant is rare. At this time, the clinical significance of this variant is uncertain due to the absence of conclusive functional and genetic evidence.